The following is an entry in ClinVar:

ClinVar aggregate classification (germline): Uncertain significance (1 of 4 stars; one submission).

Submission:

Women's Health and Genetics/Laboratory Corporation of America, LabCorp
Classification: Uncertain significance. Last evaluated: 2024-04-29. Review status: criteria provided, single submitter. Criteria: LabCorp Variant Classification Summary - May 2015. Collection method: clinical testing. Allele origin: germline.
Comment: Variant summary: MTM1 c.1069G>C (p.Ala357Pro) results in a non-conservative amino acid change located in the Tyrosine-specific protein phosphatases domain (IPR000387) of the encoded protein sequence. Five of five in-silico tools predict a damaging effect of the variant on protein function. The variant was absent in 182344 control chromosomes. The available data on variant occurrences in the general population are insufficient to allow any conclusion about variant significance. To our knowledge, no occurrence of c.1069G>C in individuals affected with Severe X-Linked Myotubular Myopathy and no experimental evidence demonstrating its impact on protein function have been reported. No submitters have cited clinical-significance assessments for this variant to ClinVar. Based on the evidence outlined above, the variant was classified as uncertain significance.

NM_000252.3(MTM1):c.1069G>C (p.Ala357Pro)

Gene: MTM1 (myotubularin 1; plus strand). Cytogenetic location: Xq28.
Variant type: single nucleotide variant.
Coding change: c.1069G>C on transcript NM_000252.3 (MANE Select); coding-DNA position 1069, G replaced by C.
Protein change: p.Ala357Pro; replaces alanine 357 with proline.
Molecular consequence: missense variant.
Genome position (GRCh38, 1-based): chrX:150,657,836, G>C. VCF-style: chrX-150657836-G-C. GRCh37 (hg19) VCF-style: chrX-149826309-G-C.
Other names: c.1069G>C, p.Ala357Pro (NM_001376906.1, NM_001376908.1); c.958G>C, p.Ala320Pro (NM_001376907.1); short protein forms A320P, A357P.
Identifiers: ClinVar variation 3251250 (VCV003251250.1), dbSNP rs2522434559.